The following is an entry in ClinVar:

ClinVar aggregate classification (germline): Uncertain significance (1 of 4 stars; one submission).

Conditions:
Trichorhinophalangeal dysplasia type I (TRPS1). Also called: TRICHORHINOPHALANGEAL SYNDROME, TYPE I; TRPS I. Identifiers: Orphanet 77258, MedGen C0432233, MONDO:0008596, OMIM 190350.
Trichorhinophalangeal syndrome, type III (TRPS3). Also called: SUGIO-KAJII SYNDROME. Identifiers: Orphanet 77258, MedGen C1860823, OMIM 190351, MONDO:0008597.

Submission:

Labcorp Genetics (formerly Invitae), Labcorp
Classification: Uncertain significance for Trichorhinophalangeal syndrome, type III; Trichorhinophalangeal dysplasia type I. Last evaluated: 2024-06-16. Review status: criteria provided, single submitter. Criteria: Invitae Variant Classification Sherloc (09022015). Collection method: clinical testing. Allele origin: germline.
Comment: This sequence change replaces aspartic acid, which is acidic and polar, with glycine, which is neutral and non-polar, at codon 733 of the TRPS1 protein (p.Asp733Gly). This variant is not present in population databases (gnomAD no frequency). This variant has not been reported in the literature in individuals affected with TRPS1-related conditions. Advanced modeling of protein sequence and biophysical properties (such as structural, functional, and spatial information, amino acid conservation, physicochemical variation, residue mobility, and thermodynamic stability) performed at Invitae indicates that this missense variant is not expected to disrupt TRPS1 protein function with a negative predictive value of 80%. In summary, the available evidence is currently insufficient to determine the role of this variant in disease. Therefore, it has been classified as a Variant of Uncertain Significance.

NM_014112.5(TRPS1):c.2198A>G (p.Asp733Gly)

Gene: TRPS1 (transcriptional repressor GATA binding 1; minus strand). Cytogenetic location: 8q23.3.
Variant type: single nucleotide variant.
Coding change: c.2198A>G on transcript NM_014112.5 (MANE Select); coding-DNA position 2198, A replaced by G.
Protein change: p.Asp733Gly; replaces aspartic acid 733 with glycine.
Molecular consequence: missense variant.
Genome position (GRCh38, 1-based): chr8:115,587,503, T>C on the plus strand (A>G on the coding strand, the complement: TRPS1 is on the minus strand). VCF-style: chr8-115587503-T-C. GRCh37 (hg19) VCF-style: chr8-116599730-T-C.
Other names: c.2171A>G, p.Asp724Gly (NM_001282902.3); c.2177A>G, p.Asp726Gly (NM_001282903.3); c.2159A>G, p.Asp720Gly (NM_001330599.2); short protein forms D720G, D724G, D726G, D733G.
Identifiers: ClinVar variation 3756840 (VCV003756840.2).